The following is an entry in ClinVar:

NM_017777.4(MKS1):c.811del (p.His271fs)

Gene: MKS1 (MKS transition zone complex subunit 1; minus strand). Cytogenetic location: 17q22.
Variant type: Deletion.
Coding change: c.811del on transcript NM_017777.4 (MANE Select); coding-DNA position 811, one base deleted (C; older notation c.811delC).
Protein change: p.His271fs; shifts the reading frame from histidine 271.
Molecular consequence: frameshift variant.
Genome position (GRCh38, 1-based): chr17:58,213,029, G deleted on the plus strand (C on the coding strand, the reverse complement: MKS1 is on the minus strand); the first of 6 consecutive G bases (chr17:58,213,029-58,213,034); deleting any one gives the same sequence. VCF-style (leftmost placement, unchanged base first): chr17-58213028-TG-T. GRCh37 (hg19) VCF-style: chr17-56290389-TG-T.
Other names: c.811delC (NM_017777.3); c.202del, p.His68fs (NM_001321268.2); c.811del, p.His271fs (NM_001321269.2, NM_001330397.2); short protein forms H271fs, H68fs.
Identifiers: ClinVar variation 1074274 (VCV001074274.11), dbSNP rs1968969593, ClinGen allele CA645579152.

ClinVar aggregate classification (germline): Pathogenic/Likely pathogenic. Review status: criteria provided, multiple submitters, no conflicts (2 of 4 stars). 3 submissions from 3 submitters: Pathogenic (2); Likely pathogenic (1). Last evaluated 2025-02-24.

Conditions:
Joubert syndrome. Also called: JOUBERT-BOLTSHAUSER SYNDROME; Familial aplasia of the vermis. Identifiers: Orphanet 475, MedGen C5979921, MONDO:0018772.
Meckel-Gruber syndrome. Also called: DYSENCEPHALIA SPLANCHNOCYSTICA; GRUBER SYNDROME; Dysencephalia splachnocystica. Identifiers: Orphanet 564, MedGen C0265215, MONDO:0018921.
Meckel syndrome, type 1 (MKS1). Also called: MECKEL-GRUBER SYNDROME, TYPE 1. Identifiers: Orphanet 564, MedGen C3714506, MONDO:0009571, OMIM 249000.
MKS1-related disorder. Also called: MKS1-related condition; MKS1-related disorders. Identifiers: MedGen CN239382.

Submissions (3):

Natera, Inc.
Classification: Pathogenic for Meckel syndrome type 1. Last evaluated: 2025-02-24. Review status: criteria provided, single submitter. Criteria: Natera Variant Classification Schema (03/2026). Collection method: clinical testing. Allele origin: germline.
Comment: The c.811delC variant in MKS1 is a frameshift variant predicted to shift the reading frame beginning at codon 271 and leads to a stop codon 29 codons downstream. This variant is expected to result in nonsense mediated decay, truncation, or a dysfunctional protein product. This variant is rare in the general population with a frequency below the threshold expected for the associated phenotype(s). This variant has been observed in one or more individuals affected with the associated recessive disease, as either homozygous or compound heterozygous with a second variant (PMID: 23351400). Given the available evidence, this variant is classified as Pathogenic.

Blueprint Genetics
Classification: Likely pathogenic for MKS1-related disorders. Last evaluated: 2024-11-13. Review status: criteria provided, single submitter. Criteria: ACMG Guidelines, 2015. Collection method: clinical testing. Allele origin: germline. Affected: yes. Observed: 4 variant alleles.

Labcorp Genetics (formerly Invitae), Labcorp
Classification: Pathogenic for Joubert syndrome; Meckel-Gruber syndrome. Last evaluated: 2023-10-27. Review status: criteria provided, single submitter. Criteria: Invitae Variant Classification Sherloc (09022015). Collection method: clinical testing. Allele origin: germline.
Comment: This sequence change creates a premature translational stop signal (p.His271Thrfs*29) in the MKS1 gene. It is expected to result in an absent or disrupted protein product. Loss-of-function variants in MKS1 are known to be pathogenic (PMID: 19466712, 24886560, 26490104). This variant is not present in population databases (gnomAD no frequency). This premature translational stop signal has been observed in individual(s) with Meckel-Gruber syndrome (PMID: 23351400). ClinVar contains an entry for this variant (Variation ID: 1074274). For these reasons, this variant has been classified as Pathogenic.

Literature cited by the submitters: PubMed 23351400 (cited by Natera, Inc. and Labcorp Genetics (formerly Invitae), Labcorp); PubMed 19466712 (cited by Labcorp Genetics (formerly Invitae), Labcorp); PubMed 24886560 (cited by Labcorp Genetics (formerly Invitae), Labcorp); PubMed 26490104 (cited by Labcorp Genetics (formerly Invitae), Labcorp).